The following is an entry in ClinVar:

ClinVar aggregate classification (germline): Likely benign. Review status: criteria provided, multiple submitters, no conflicts (2 of 4 stars). 3 submissions from 3 submitters: Likely benign (3). Last evaluated 2025-05-01.

Conditions:
Rafiq syndrome (RAFQS). Identifiers: Orphanet 88616, MedGen C3280127, MONDO:0013624, OMIM 614202.

Allele frequency attached by ClinVar (database versions not stated): ExAC below 0.00001; gnomAD 0.00009 and 0.00014; TOPMed 0.00012; gnomAD exomes 0.00022; 1000 Genomes Project 30x 0.00062; 1000 Genomes Project 0.00080.
gnomAD v4.1: 156 of 1,548,218 alleles (0.01%); highest among the groups gnomAD compares: East Asian, 0.21%; no homozygotes.

Submissions (3):

Labcorp Genetics (formerly Invitae), Labcorp
Classification: Likely benign for Rafiq syndrome. Last evaluated: 2025-05-01. Review status: criteria provided, single submitter. Criteria: Invitae Variant Classification Sherloc (09022015). Collection method: clinical testing. Allele origin: germline.

Blueprint Genetics
Classification: Likely benign. Last evaluated: 2024-05-08. Review status: criteria provided, single submitter. Criteria: ACMG Guidelines, 2015. Collection method: clinical testing. Allele origin: germline.

Illumina Laboratory Services, Illumina
Classification: Likely benign for Rafiq syndrome. Last evaluated: 2017-04-27. Review status: criteria provided, single submitter. Criteria: ICSL Variant Classification Criteria 13 December 2019. Collection method: clinical testing. Allele origin: germline.
Comment: This variant was observed as part of a predisposition screen in an ostensibly healthy population. A literature search was performed for the gene, cDNA change, and amino acid change (where applicable). No publications were found based on this search. Allele frequency data from public databases allowed determination this variant is unlikely to cause disease. Therefore, this variant is classified as likely benign.

NM_016219.5(MAN1B1):c.621-5C>T

Gene: MAN1B1 (mannosidase alpha class 1B member 1; plus strand). Cytogenetic location: 9q34.3.
Variant type: single nucleotide variant.
Coding change: c.621-5C>T on transcript NM_016219.5 (MANE Select); 5 bases into the intron before coding-DNA position 621, C replaced by T.
Molecular consequence: intron variant.
Genome position (GRCh38, 1-based): chr9:137,097,823, C>T. VCF-style: chr9-137097823-C-T. GRCh37 (hg19) VCF-style: chr9-139992275-C-T.
Identifiers: ClinVar variation 708077 (VCV000708077.15), dbSNP rs200585294, ClinGen allele CA5358716.
Genomic context (GRCh38, chr9:137,097,823, plus strand): 5'-GGGGGTGGGAAACATGGAGCCACAAATGTTTGACGGCAGCTGACACCCTTCCTTCTCCCC[C>T]GAAGCTGGAGGGGAGCGGTGATCGAGCCTGAGCAGGGCACCGAGCTCCCTTCAAGAAGAG-3'